The following is an entry in ClinVar:

ClinVar aggregate classification (germline): Uncertain significance (1 of 4 stars; one submission).

Submission:

Ambry Genetics
Classification: Uncertain significance. Last evaluated: 2025-07-10. Review status: criteria provided, single submitter. Criteria: Ambry Variant Classification Scheme 2023. Collection method: clinical testing. Allele origin: germline.
Comment: The p.N118S variant (also known as c.353A>G), located in coding exon 1 of the MC1R gene, results from an A to G substitution at nucleotide position 353. The asparagine at codon 118 is replaced by serine, an amino acid with highly similar properties. This amino acid position is conserved. In addition, this alteration is predicted to be tolerated by in silico analysis. Based on the available evidence, the clinical significance of this variant remains unclear.

NM_002386.4(MC1R):c.353A>G (p.Asn118Ser)

Gene: MC1R (melanocortin 1 receptor; plus strand). Cytogenetic location: 16q24.3.
Variant type: single nucleotide variant.
Coding change: c.353A>G on transcript NM_002386.4 (MANE Select); coding-DNA position 353, A replaced by G.
Protein change: p.Asn118Ser; replaces asparagine 118 with serine.
Molecular consequence: missense variant.
Genome position (GRCh38, 1-based): chr16:89,919,611, A>G. VCF-style: chr16-89919611-A-G. GRCh37 (hg19) VCF-style: chr16-89986019-A-G.
Other names: short protein forms N118S.
Identifiers: ClinVar variation 4104850 (VCV004104850.1).
Genomic context (GRCh38, chr16:89,919,611, plus strand): 5'-TCCTCCTGCTGGAGGCCGGTGCACTGGTGGCCCGGGCTGCGGTGCTGCAGCAGCTGGACA[A>G]TGTCATTGACGTGATCACCTGCAGCTCCATGCTGTCCAGCCTCTGCTTCCTGGGCGCCAT-3'
Protein context (NP_002377.4, residues 108-128): ARAAVLQQLD[Asn118Ser]VIDVITCSSM